The following is an entry in ClinVar:

NM_016507.4(CDK12):c.193A>G (p.Thr65Ala)

Genes: CDK12 (cyclin dependent kinase 12; plus strand), LOC126862553 (CDK7 strongly-dependent group 2 enhancer GRCh37_chr17:37618166-37619365; plus strand). Cytogenetic location: 17q12.
Variant type: single nucleotide variant.
Coding change: c.193A>G on transcript NM_016507.4 (MANE Select); coding-DNA position 193, A replaced by G.
Protein change: p.Thr65Ala; replaces threonine 65 with alanine.
Molecular consequence: missense variant.
Genome position (GRCh38, 1-based): chr17:39,462,264, A>G. VCF-style: chr17-39462264-A-G. GRCh37 (hg19) VCF-style: chr17-37618517-A-G.
Other names: c.193A>G, p.Thr65Ala (NM_015083.4); short protein forms T65A.
Identifiers: ClinVar variation 4224349 (VCV004224349.1).

ClinVar aggregate classification (germline): Uncertain significance (1 of 4 stars; one submission).

gnomAD v4.1: 2 of 1,614,096 alleles (0.00012%); highest among the groups gnomAD compares: African/African-American, 0.0027%; no homozygotes.

Submission:

Ambry Genetics
Classification: Uncertain significance. Last evaluated: 2025-08-04. Review status: criteria provided, single submitter. Criteria: Ambry Variant Classification Scheme 2023. Collection method: clinical testing. Allele origin: germline.
Comment: The p.T65A variant (also known as c.193A>G), located in coding exon 1 of the CDK12 gene, results from an A to G substitution at nucleotide position 193. The threonine at codon 65 is replaced by alanine, an amino acid with similar properties. This amino acid position is conserved. In addition, this alteration is predicted to be tolerated by in silico analysis. Based on the available evidence, the clinical significance of this variant remains unclear.